The following is an entry in ClinVar:

ClinVar aggregate classification (germline): Uncertain significance (1 of 4 stars; one submission).

Conditions:
Cardiovascular phenotype. Identifiers: MedGen CN230736.

Submission:

Ambry Genetics
Classification: Uncertain significance for Cardiovascular phenotype. Last evaluated: 2023-04-07. Review status: criteria provided, single submitter. Criteria: Ambry Variant Classification Scheme 2023. Collection method: clinical testing. Allele origin: germline.
Comment: The p.Q576E variant (also known as c.1726C>G), located in coding exon 20 of the CACNA2D1 gene, results from a C to G substitution at nucleotide position 1726. The glutamine at codon 576 is replaced by glutamic acid, an amino acid with highly similar properties. This amino acid position is conserved. In addition, the in silico prediction for this alteration is inconclusive. Since supporting evidence is limited at this time, the clinical significance of this alteration remains unclear.

NM_000722.4(CACNA2D1):c.1726C>G (p.Gln576Glu)

Gene: CACNA2D1 (calcium voltage-gated channel auxiliary subunit alpha2delta 1; minus strand). Cytogenetic location: 7q21.11.
Variant type: single nucleotide variant.
Coding change: c.1726C>G on transcript NM_000722.4 (MANE Select); coding-DNA position 1726, C replaced by G.
Protein change: p.Gln576Glu; replaces glutamine 576 with glutamic acid.
Molecular consequence: missense variant.
Genome position (GRCh38, 1-based): chr7:81,994,876, G>C on the plus strand (C>G on the coding strand, the complement: CACNA2D1 is on the minus strand). VCF-style: chr7-81994876-G-C. GRCh37 (hg19) VCF-style: chr7-81624192-G-C.
Other names: c.1783C>G, p.Gln595Glu (NM_001366867.1); short protein forms Q576E, Q595E.
Identifiers: ClinVar variation 2565387 (VCV002565387.2), dbSNP rs1554343877, ClinGen allele CA367876688.